The following is an entry in ClinVar:

ClinVar aggregate classification (germline): Uncertain significance (1 of 4 stars; one submission).

Submission:

Labcorp Genetics (formerly Invitae), Labcorp
Classification: Uncertain significance. Last evaluated: 2022-08-20. Review status: criteria provided, single submitter. Criteria: Invitae Variant Classification Sherloc (09022015). Collection method: clinical testing. Allele origin: germline.
Comment: This variant, c.1793_1837del, results in the deletion of 15 amino acid(s) of the REST protein (p.Lys598_Gln612del), but otherwise preserves the integrity of the reading frame. This variant is not present in population databases (gnomAD no frequency). This variant has not been reported in the literature in individuals affected with REST-related conditions. Experimental studies and prediction algorithms are not available or were not evaluated, and the functional significance of this variant is currently unknown. In summary, the available evidence is currently insufficient to determine the role of this variant in disease. Therefore, it has been classified as a Variant of Uncertain Significance.

NM_005612.5(REST):c.1793_1837del (p.Lys598_Gln612del)

Gene: REST (RE1 silencing transcription factor; plus strand). Cytogenetic location: 4q12.
Variant type: Deletion.
Coding change: c.1793_1837del on transcript NM_005612.5 (MANE Select); coding-DNA positions 1793 to 1837, 45 bases deleted.
Protein change: p.Lys598_Gln612del.
Molecular consequence: inframe deletion. On other transcripts: inframe indel (2).
Genome position (GRCh38, 1-based): chr4:56,930,651-56,930,695, 45 bases deleted; deleting any 45 consecutive bases within chr4:56,930,641-56,930,695 gives the same sequence; the c. name uses the placement nearest the transcript's 3' end. GRCh37 (hg19): chr4:57,796,817-57,796,861.
Other names: c.1793_1837del45, p.Lys598_Gln612del (NM_001193508.2, NM_001363453.3).
Identifiers: ClinVar variation 2025210 (VCV002025210.4), dbSNP rs2475850501, ClinGen allele CA2580071223.
Genomic context (GRCh38, chr4:56,930,640, plus strand): 5'-CATGAAAAAAAGTACAAAGAAGAAAACTCTGAAAAATAAATCAAGTAAGAAAAGCAGTAA[GCCTCCTCAGAAGGAACCTGTTGAGAAGGGATCTGCTCAGATGGAC>G]CCTCCTCAGATGGGGCCTGCTCCCACAGAGGCGGTTCAGAAGGGGCCCGTTCAGGTGGAG-3'